The following is an entry in ClinVar:

ClinVar aggregate classification (germline): Uncertain significance. Review status: criteria provided, multiple submitters, no conflicts (2 of 4 stars). 2 submissions from 2 submitters: Uncertain significance (2). Last evaluated 2023-04-01.

Conditions:
Hereditary cancer-predisposing syndrome. Also called: Neoplastic Syndromes, Hereditary; Tumor predisposition; Hereditary neoplastic syndrome; Hereditary Cancer Syndrome. Identifiers: Orphanet 140162, MedGen C0027672, MeSH D009386, MONDO:0015356.
Carney complex, type 1 (CNC1). Also called: CARNEY COMPLEX, TYPE I; CARNEY MYXOMA-ENDOCRINE COMPLEX. Identifiers: Orphanet 1359, MedGen C2607929, MONDO:0008057, OMIM 160980.

Submissions (2):

Ambry Genetics
Classification: Uncertain significance for Hereditary cancer-predisposing syndrome. Last evaluated: 2023-04-01. Review status: criteria provided, single submitter. Criteria: Ambry Variant Classification Scheme 2023. Collection method: clinical testing. Allele origin: germline.
Comment: The p.G161R variant (also known as c.481G>A), located in coding exon 4 of the PRKAR1A gene, results from a G to A substitution at nucleotide position 481. The glycine at codon 161 is replaced by arginine, an amino acid with dissimilar properties. This amino acid position is conserved. In addition, this alteration is predicted to be deleterious by in silico analysis. Since supporting evidence is limited at this time, the clinical significance of this alteration remains unclear.

Labcorp Genetics (formerly Invitae), Labcorp
Classification: Uncertain significance for Carney complex, type 1. Last evaluated: 2021-02-24. Review status: criteria provided, single submitter. Criteria: Invitae Variant Classification Sherloc (09022015). Collection method: clinical testing. Allele origin: germline.
Comment: This sequence change replaces glycine with arginine at codon 161 of the PRKAR1A protein (p.Gly161Arg). The glycine residue is highly conserved and there is a moderate physicochemical difference between glycine and arginine. This variant is not present in population databases (ExAC no frequency). This variant has not been reported in the literature in individuals with PRKAR1A-related conditions. Algorithms developed to predict the effect of missense changes on protein structure and function (SIFT, PolyPhen-2, Align-GVGD) all suggest that this variant is likely to be disruptive, but these predictions have not been confirmed by published functional studies and their clinical significance is uncertain. Algorithms developed to predict the effect of sequence changes on RNA splicing suggest that this variant may create or strengthen a splice site, but this prediction has not been confirmed by published transcriptional studies. In summary, the available evidence is currently insufficient to determine the role of this variant in disease. Therefore, it has been classified as a Variant of Uncertain Significance.

NM_002734.5(PRKAR1A):c.481G>A (p.Gly161Arg)

Gene: PRKAR1A (protein kinase cAMP-dependent type I regulatory subunit alpha; plus strand). Cytogenetic location: 17q24.2.
Variant type: single nucleotide variant.
Coding change: c.481G>A on transcript NM_002734.5 (MANE Select); coding-DNA position 481, G replaced by A.
Protein change: p.Gly161Arg; replaces glycine 161 with arginine.
Molecular consequence: missense variant.
Genome position (GRCh38, 1-based): chr17:68,524,056, G>A. VCF-style: chr17-68524056-G-A. GRCh37 (hg19) VCF-style: chr17-66520197-G-A.
Other names: c.481G>A (NM_002734.3); c.481G>A, p.Gly161Arg (NM_001276289.2, NM_001276290.1, NM_001278433.2 and 4 more transcripts); short protein forms G161R.
Identifiers: ClinVar variation 1368158 (VCV001368158.11), dbSNP rs2143293776, ClinGen allele CA400752861.